The following is an entry in ClinVar:

NM_004656.4(BAP1):c.1406G>A (p.Ser469Asn)

Gene: BAP1 (BRCA1 associated deubiquitinase 1; minus strand). Cytogenetic location: 3p21.1.
Variant type: single nucleotide variant.
Coding change: c.1406G>A on transcript NM_004656.4 (MANE Select); coding-DNA position 1406, G replaced by A.
Protein change: p.Ser469Asn; replaces serine 469 with asparagine.
Molecular consequence: missense variant.
Genome position (GRCh38, 1-based): chr3:52,403,739, C>T on the plus strand (G>A on the coding strand, the complement: BAP1 is on the minus strand). VCF-style: chr3-52403739-C-T. GRCh37 (hg19) VCF-style: chr3-52437755-C-T.
Other names: c.1352G>A, p.Ser451Asn (NM_001410772.1); short protein forms S469N, S451N.
Identifiers: ClinVar variation 4620734 (VCV004620734.1).

ClinVar aggregate classification (germline): Uncertain significance (1 of 4 stars; one submission).

Conditions:
Hereditary cancer-predisposing syndrome. Also called: Neoplastic Syndromes, Hereditary; Tumor predisposition; Hereditary Cancer Syndrome; Hereditary neoplastic syndrome. Identifiers: Orphanet 140162, MedGen C0027672, MeSH D009386, MONDO:0015356.

Submission:

Ambry Genetics
Classification: Uncertain significance for Hereditary cancer-predisposing syndrome. Last evaluated: 2025-11-15. Review status: criteria provided, single submitter. Criteria: Ambry Variant Classification Scheme 2023. Collection method: clinical testing. Allele origin: germline.
Comment: The p.S469N variant (also known as c.1406G>A), located in coding exon 13 of the BAP1 gene, results from a G to A substitution at nucleotide position 1406. The serine at codon 469 is replaced by asparagine, an amino acid with highly similar properties. This amino acid position is conserved. In addition, this alteration is predicted to be tolerated by in silico analysis. Based on the available evidence, the clinical significance of this variant remains unclear.